The following is an entry in ClinVar:

ClinVar aggregate classification (germline): Uncertain significance (1 of 4 stars; one submission).

Conditions:
Glycogen storage disease type III (GSD3). Also called: Cori disease; FORBES DISEASE. Identifiers: Orphanet 366, MedGen C0017922, MONDO:0009291, OMIM 232400.

Allele frequency attached by ClinVar (database versions not stated): gnomAD 0.00001; gnomAD exomes 0.00001 and 0.00002; TOPMed 0.00001; ExAC 0.00003; ESP Exome Variant Server 0.00008; 1000 Genomes Project 30x 0.00016; 1000 Genomes Project 0.00020.
gnomAD v4.1: 22 of 1,613,894 alleles (0.0014%); highest among the groups gnomAD compares: South Asian, 0.0077%; no homozygotes.

Submission:

Labcorp Genetics (formerly Invitae), Labcorp
Classification: Uncertain significance for Glycogen storage disease type III. Last evaluated: 2022-03-23. Review status: criteria provided, single submitter. Criteria: Invitae Variant Classification Sherloc (09022015). Collection method: clinical testing. Allele origin: germline.
Comment: This sequence change affects codon 474 of the AGL mRNA. It is a 'silent' change, meaning that it does not change the encoded amino acid sequence of the AGL protein. It affects a nucleotide within the consensus splice site. This variant is present in population databases (rs144714696, gnomAD 0.006%). This variant has not been reported in the literature in individuals affected with AGL-related conditions. Algorithms developed to predict the effect of sequence changes on RNA splicing suggest that this variant is not likely to affect RNA splicing. In summary, the available evidence is currently insufficient to determine the role of this variant in disease. Therefore, it has been classified as a Variant of Uncertain Significance.

NM_000642.3(AGL):c.1422G>A (p.Pro474=)

Gene: AGL (amylo-alpha-1,6-glucosidase and 4-alpha-glucanotransferase; plus strand). Cytogenetic location: 1p21.2.
Variant type: single nucleotide variant.
Coding change: c.1422G>A on transcript NM_000642.3 (MANE Select); coding-DNA position 1422, G replaced by A.
Protein change: p.Pro474=; no amino-acid change (proline 474 retained).
Molecular consequence: synonymous variant.
Genome position (GRCh38, 1-based): chr1:99,876,596, G>A. VCF-style: chr1-99876596-G-A. GRCh37 (hg19) VCF-style: chr1-100342152-G-A.
Other names: c.1422G>A, p.Pro474= (NM_000028.3, NM_000643.3, NM_000644.3 and 2 more transcripts); c.1374G>A, p.Pro458= (NM_000646.3); c.1221G>A, p.Pro407= (NM_001425327.1); c.1218G>A, p.Pro406= (NM_001425328.1, NM_001425329.1); c.1044G>A, p.Pro348= (NM_001425332.1).
Identifiers: ClinVar variation 1404892 (VCV001404892.3), dbSNP rs144714696, ClinGen allele CA966482.